The following is an entry in ClinVar:

ClinVar aggregate classification (germline): Likely benign. Review status: criteria provided, multiple submitters, no conflicts (2 of 4 stars). 3 submissions from 3 submitters: Likely benign (3). Last evaluated 2024-11-05.

Allele frequency attached by ClinVar (database versions not stated): gnomAD 0.00001 and 0.00004; TOPMed 0.00001; gnomAD exomes 0.00004 and 0.00007; ExAC 0.00009.
gnomAD v4.1: 66 of 1,613,772 alleles (0.0041%); highest among the groups gnomAD compares: South Asian, 0.031%; no homozygotes.

Submissions (3):

Labcorp Genetics (formerly Invitae), Labcorp
Classification: Likely benign. Last evaluated: 2024-11-05. Review status: criteria provided, single submitter. Criteria: Invitae Variant Classification Sherloc (09022015). Collection method: clinical testing. Allele origin: germline.

Blueprint Genetics
Classification: Likely benign. Last evaluated: 2024-09-16. Review status: criteria provided, single submitter. Criteria: ACMG Guidelines, 2015. Collection method: clinical testing. Allele origin: germline.

CeGaT Center for Human Genetics Tuebingen
Classification: Likely benign. Last evaluated: 2024-01-01. Review status: criteria provided, single submitter. Criteria: CeGaT Center For Human Genetics Tuebingen Variant Classification Criteria Version 2. Collection method: clinical testing. Allele origin: germline. Affected: yes. Observed: 1 variant allele.
Comment: RUNX2: BP4

NM_001024630.4(RUNX2):c.1140A>G (p.Ser380=)

Gene: RUNX2 (RUNX family transcription factor 2; plus strand). Cytogenetic location: 6p21.1.
Variant type: single nucleotide variant.
Coding change: c.1140A>G on transcript NM_001024630.4 (MANE Select); coding-DNA position 1140, A replaced by G.
Protein change: p.Ser380=; no amino-acid change (serine 380 retained).
Molecular consequence: synonymous variant.
Genome position (GRCh38, 1-based): chr6:45,546,879, A>G. VCF-style: chr6-45546879-A-G. GRCh37 (hg19) VCF-style: chr6-45514616-A-G.
Other names: c.1074A>G, p.Ser358= (NM_001015051.4); c.1032A>G, p.Ser344= (NM_001278478.2); c.1098A>G, p.Ser366= (NM_001369405.1).
Identifiers: ClinVar variation 1612273 (VCV001612273.31), dbSNP rs574709560, ClinGen allele CA3836581.